The following is an entry in ClinVar:

ClinVar aggregate classification (germline): Uncertain significance (1 of 4 stars; one submission).

Submission:

Labcorp Genetics (formerly Invitae), Labcorp
Classification: Uncertain significance. Last evaluated: 2024-10-25. Review status: criteria provided, single submitter. Criteria: Invitae Variant Classification Sherloc (09022015). Collection method: clinical testing. Allele origin: germline.
Comment: This sequence change replaces aspartic acid, which is acidic and polar, with asparagine, which is neutral and polar, at codon 3278 of the LRP2 protein (p.Asp3278Asn). This variant is not present in population databases (gnomAD no frequency). This variant has not been reported in the literature in individuals affected with LRP2-related conditions. Invitae Evidence Modeling of protein sequence and biophysical properties (such as structural, functional, and spatial information, amino acid conservation, physicochemical variation, residue mobility, and thermodynamic stability) indicates that this missense variant is expected to disrupt LRP2 protein function with a positive predictive value of 95%. In summary, the available evidence is currently insufficient to determine the role of this variant in disease. Therefore, it has been classified as a Variant of Uncertain Significance.

NM_004525.3(LRP2):c.9832G>A (p.Asp3278Asn)

Gene: LRP2 (LDL receptor related protein 2; minus strand). Cytogenetic location: 2q31.1.
Variant type: single nucleotide variant.
Coding change: c.9832G>A on transcript NM_004525.3 (MANE Select); coding-DNA position 9832, G replaced by A.
Protein change: p.Asp3278Asn; replaces aspartic acid 3278 with asparagine.
Molecular consequence: missense variant.
Genome position (GRCh38, 1-based): chr2:169,185,516, C>T on the plus strand (G>A on the coding strand, the complement: LRP2 is on the minus strand). VCF-style: chr2-169185516-C-T. GRCh37 (hg19) VCF-style: chr2-170042026-C-T.
Other names: short protein forms D3278N.
Identifiers: ClinVar variation 3614166 (VCV003614166.2).